The following is an entry in ClinVar:

NM_005529.7(HSPG2):c.7872C>T (p.His2624=)

Gene: HSPG2 (heparan sulfate proteoglycan 2; minus strand). Cytogenetic location: 1p36.12.
Variant type: single nucleotide variant.
Coding change: c.7872C>T on transcript NM_005529.7 (MANE Select); coding-DNA position 7872, C replaced by T.
Protein change: p.His2624=; no amino-acid change (histidine 2624 retained).
Molecular consequence: synonymous variant.
Genome position (GRCh38, 1-based): chr1:21,847,959, G>A on the plus strand (C>T on the coding strand, the complement: HSPG2 is on the minus strand). VCF-style: chr1-21847959-G-A. GRCh37 (hg19) VCF-style: chr1-22174452-G-A.
Other names: c.7875C>T, p.His2625= (NM_001291860.2).
Identifiers: ClinVar variation 295784 (VCV000295784.8), dbSNP rs749008859, ClinGen allele CA671037.

ClinVar aggregate classification (germline): Uncertain significance. Review status: criteria provided, multiple submitters, no conflicts (2 of 4 stars). 3 submissions from 2 submitters: Uncertain significance (3). Last evaluated 2022-06-10.

Conditions:
Lethal Kniest-like syndrome (DDSH). Also called: Dyssegmental Dysplasia. Identifiers: Orphanet 1865, MedGen C1857100, MONDO:0009140, OMIM 224410.
Schwartz-Jampel syndrome. Also called: Myotonic myopathy dwarfism chondrodystrophy and ocular and facial abnormalities. Identifiers: Orphanet 800, MedGen C0036391, MONDO:0009717.

Allele frequency attached by ClinVar (database versions not stated): gnomAD 0.00001; gnomAD exomes 0.00001; TOPMed 0.00001; ExAC 0.00002.

Submissions (3):

Labcorp Genetics (formerly Invitae), Labcorp
Classification: Uncertain significance. Last evaluated: 2022-06-10. Review status: criteria provided, single submitter. Criteria: Invitae Variant Classification Sherloc (09022015). Collection method: clinical testing. Allele origin: germline.
Comment: In summary, the available evidence is currently insufficient to determine the role of this variant in disease. Therefore, it has been classified as a Variant of Uncertain Significance. Algorithms developed to predict the effect of sequence changes on RNA splicing suggest that this variant is not likely to affect RNA splicing. ClinVar contains an entry for this variant (Variation ID: 295784). This variant has not been reported in the literature in individuals affected with HSPG2-related conditions. This variant is present in population databases (rs749008859, gnomAD 0.004%). This sequence change affects codon 2624 of the HSPG2 mRNA. It is a 'silent' change, meaning that it does not change the encoded amino acid sequence of the HSPG2 protein. It affects a nucleotide within the consensus splice site.

Illumina Laboratory Services, Illumina
Classification: Uncertain significance for Lethal Kniest-like syndrome. Last evaluated: 2018-01-12. Review status: criteria provided, single submitter. Criteria: ICSL Variant Classification Criteria 13 December 2019. Collection method: clinical testing. Allele origin: germline.

Illumina Laboratory Services, Illumina
Classification: Uncertain significance for Schwartz-Jampel syndrome type 1. Last evaluated: 2018-01-12. Review status: criteria provided, single submitter. Criteria: ICSL Variant Classification Criteria 13 December 2019. Collection method: clinical testing. Allele origin: germline.